The following is an entry in ClinVar:

NM_001077350.3(NPRL3):c.454G>A (p.Val152Met)

Genes: HBA-LCR (alpha-globin locus control region; plus strand), NPRL3 (NPR3 like, GATOR1 complex subunit; minus strand). Cytogenetic location: 16p13.3.
Variant type: single nucleotide variant.
Coding change: c.454G>A on transcript NM_001077350.3 (MANE Select); coding-DNA position 454, G replaced by A.
Protein change: p.Val152Met; replaces valine 152 with methionine.
Molecular consequence: missense variant. On other transcripts: 5 prime UTR variant (1).
Genome position (GRCh38, 1-based): chr16:112,715, C>T on the plus strand (G>A on the coding strand, the complement: NPRL3 is on the minus strand). VCF-style: chr16-112715-C-T. GRCh37 (hg19) VCF-style: chr16-162714-C-T.
Other names: c.-84G>A (NM_001039476.3); c.220G>A, p.Val74Met (NM_001243247.2); c.379G>A, p.Val127Met (NM_001243248.2, NM_001243249.2); short protein forms V74M, V127M, V152M.
Identifiers: ClinVar variation 939020 (VCV000939020.10), dbSNP rs539649449, ClinGen allele CA276417012.

ClinVar aggregate classification (germline): Uncertain significance (1 of 4 stars; one submission).

Conditions:
Epilepsy, familial focal, with variable foci 3 (FFEVF3). Identifiers: MedGen C4310708, MONDO:0014925, OMIM 617118.

Allele frequency attached by ClinVar (database versions not stated): gnomAD exomes below 0.00001 and 0.00001; TOPMed below 0.00001; gnomAD 0.00001; 1000 Genomes Project 30x 0.00016; 1000 Genomes Project 0.00020.
gnomAD v4.1: 6 of 1,612,088 alleles (0.00037%); highest among the groups gnomAD compares: African/African-American, 0.0013%; no homozygotes.

Submission:

Labcorp Genetics (formerly Invitae), Labcorp
Classification: Uncertain significance for Epilepsy, familial focal, with variable foci 3. Last evaluated: 2025-10-08. Review status: criteria provided, single submitter. Criteria: Invitae Variant Classification Sherloc (09022015). Collection method: clinical testing. Allele origin: germline.
Comment: This sequence change replaces valine, which is neutral and non-polar, with methionine, which is neutral and non-polar, at codon 152 of the NPRL3 protein (p.Val152Met). The frequency data for this variant in the population databases is considered unreliable, as metrics indicate poor data quality at this position in the gnomAD database. This variant has not been reported in the literature in individuals affected with NPRL3-related conditions. ClinVar contains an entry for this variant (Variation ID: 939020). Invitae Evidence Modeling of protein sequence and biophysical properties (such as structural, functional, and spatial information, amino acid conservation, physicochemical variation, residue mobility, and thermodynamic stability) indicates that this missense variant is not expected to disrupt NPRL3 protein function with a negative predictive value of 80%. In summary, the available evidence is currently insufficient to determine the role of this variant in disease. Therefore, it has been classified as a Variant of Uncertain Significance.